The following is an entry in ClinVar:

ClinVar aggregate classification (germline): Uncertain significance (1 of 4 stars; one submission).

Conditions:
Joubert syndrome. Also called: CEREBELLOPARENCHYMAL DISORDER IV; JOUBERT-BOLTSHAUSER SYNDROME; Familial aplasia of the vermis. Identifiers: Orphanet 475, MedGen C5979921, MONDO:0018772.
Nephronophthisis. Also called: Juvenile Nephronophthisis. Identifiers: Orphanet 655, MedGen C0687120, MONDO:0019005, HP:0000090.
Meckel-Gruber syndrome. Also called: DYSENCEPHALIA SPLANCHNOCYSTICA; GRUBER SYNDROME; Dysencephalia splachnocystica. Identifiers: Orphanet 564, MedGen C0265215, MONDO:0018921.

Submission:

Labcorp Genetics (formerly Invitae), Labcorp
Classification: Uncertain significance for Joubert syndrome; Meckel-Gruber syndrome; Nephronophthisis. Last evaluated: 2022-09-06. Review status: criteria provided, single submitter. Criteria: Invitae Variant Classification Sherloc (09022015). Collection method: clinical testing. Allele origin: germline.
Comment: This sequence change replaces glutamine, which is neutral and polar, with histidine, which is basic and polar, at codon 2035 of the CEP290 protein (p.Gln2035His). This variant is not present in population databases (gnomAD no frequency). In summary, the available evidence is currently insufficient to determine the role of this variant in disease. Therefore, it has been classified as a Variant of Uncertain Significance. Algorithms developed to predict the effect of missense changes on protein structure and function are either unavailable or do not agree on the potential impact of this missense change (SIFT: "Tolerated"; PolyPhen-2: "Possibly Damaging"; Align-GVGD: "Class C0"). This variant has not been reported in the literature in individuals affected with CEP290-related conditions.

NM_025114.4(CEP290):c.6105G>C (p.Gln2035His)

Gene: CEP290 (centrosomal protein 290; minus strand). Cytogenetic location: 12q21.32.
Variant type: single nucleotide variant.
Coding change: c.6105G>C on transcript NM_025114.4 (MANE Select); coding-DNA position 6105, G replaced by C.
Protein change: p.Gln2035His; replaces glutamine 2035 with histidine.
Molecular consequence: missense variant.
Genome position (GRCh38, 1-based): chr12:88,068,552, C>G on the plus strand (G>C on the coding strand, the complement: CEP290 is on the minus strand). VCF-style: chr12-88068552-C-G. GRCh37 (hg19) VCF-style: chr12-88462329-C-G.
Other names: short protein forms Q2035H.
Identifiers: ClinVar variation 2111480 (VCV002111480.4), dbSNP rs754426182, ClinGen allele CA385981999.